The following is an entry in ClinVar:

NM_001321571.2(CAMK2D):c.160+3G>A

Gene: CAMK2D (calcium/calmodulin dependent protein kinase II delta; minus strand). Cytogenetic location: 4q26.
Variant type: single nucleotide variant.
Coding change: c.160+3G>A on transcript NM_001321571.2 (MANE Select); 3 bases into the intron after coding-DNA position 160, G replaced by A.
Molecular consequence: intron variant.
Genome position (GRCh38, 1-based): chr4:113,759,317, C>T on the plus strand (G>A on the coding strand, the complement: CAMK2D is on the minus strand). VCF-style: chr4-113759317-C-T. GRCh37 (hg19) VCF-style: chr4-114680473-C-T.
Other names: c.160+3G>A (NM_172128.3, NM_001221.4, NM_172127.3 and 34 more transcripts); c.-301+3G>A (NM_001399864.1, NM_001399863.1); c.-59+3G>A (NM_001399861.1, NM_001399862.1, NM_001399860.1 and 2 more transcripts); c.-523+3G>A (NM_001399865.1, NM_001321585.2); c.-356+3G>A (NM_001321578.2).
Identifiers: ClinVar variation 4281465 (VCV004281465.7).
Genomic context (GRCh38, chr4:113,759,317, plus strand): 5'-CAGAACCTATAATCAACATGACAAATACAAAATTAACCAATATATGTGGTTGAAAATACC[C>T]ACCCCTAGCAGAAAGCTTTTTGGTGTTGATAATTTTGGCAGCATATTCTTGTCCAGTAGG-3'

ClinVar aggregate classification (germline): Uncertain significance (1 of 4 stars; one submission).

gnomAD v4.1: 1 of 1,592,206 alleles (0.000063%); highest among the groups gnomAD compares: Non-Finnish European, 0.000086%; no homozygotes.

Submission:

CeGaT Center for Human Genetics Tuebingen
Classification: Uncertain significance. Last evaluated: 2025-09-01. Review status: criteria provided, single submitter. Criteria: CeGaT Center For Human Genetics Tuebingen Variant Classification Criteria Version 2. Collection method: clinical testing. Allele origin: germline. Affected: yes. Observed: 1 variant allele.
Comment: CAMK2D: PM2:Supporting, BP4